The following is an entry in ClinVar:

NM_001927.4(DES):c.1361G>A (p.Arg454Gln)

Gene: DES (desmin; plus strand). Cytogenetic location: 2q35.
Variant type: single nucleotide variant.
Coding change: c.1361G>A on transcript NM_001927.4 (MANE Select); coding-DNA position 1361, G replaced by A.
Protein change: p.Arg454Gln; replaces arginine 454 with glutamine.
Molecular consequence: missense variant.
Genome position (GRCh38, 1-based): chr2:219,425,735, G>A. VCF-style: chr2-219425735-G-A. GRCh37 (hg19) VCF-style: chr2-220290457-G-A.
Other names: c.1361G>A (LRG_380t1); short protein forms R454Q.
Identifiers: ClinVar variation 191616 (VCV000191616.14), dbSNP rs541585670, ClinGen allele CA302358.
Genomic context (GRCh38, chr2:219,425,735, plus strand): 5'-AGCAAAGGGGTTCTGAGGTCCATACCAAGAAGACGGTGATGATCAAGACCATCGAGACAC[G>A]GGATGGGGAGGTAAGTGGTCTGTCTGGGCTCCTTACCCTTGGTGGGGGCTATGGATGTGT-3'
Protein context (NP_001918.3, residues 444-464): KTVMIKTIET[Arg454Gln]DGEVVSEATQ

ClinVar aggregate classification (germline): Uncertain significance. Review status: criteria provided, multiple submitters, no conflicts (2 of 4 stars). 4 submissions from 4 submitters: Uncertain significance (4). Last evaluated 2025-10-23.

Conditions:
Desmin-related myofibrillar myopathy (MFM1). Also called: Desminopathy; MYOFIBRILLAR MYOPATHY WITH ARRHYTHMOGENIC RIGHT VENTRICULAR CARDIOMYOPATHY; DESMIN-RELATED MYOPATHY WITH ARRHYTHMOGENIC RIGHT VENTRICULAR CARDIOMYOPATHY; Myofibrillar myopathy 1; Desmin related myopathy (former name); Desmin storage myopathy (former name). Identifiers: Orphanet 363543, Orphanet 98909, MedGen C1832370, MONDO:0011076, OMIM 601419.
Cardiovascular phenotype. Identifiers: MedGen CN230736.

Allele frequency attached by ClinVar (database versions not stated): gnomAD exomes 0.00001; TOPMed 0.00002; 1000 Genomes Project 30x 0.00016.
gnomAD v4.1: 7 of 1,604,416 alleles (0.00044%); highest among the groups gnomAD compares: Non-Finnish European, 0.0006%; no homozygotes.

Submissions (4):

Labcorp Genetics (formerly Invitae), Labcorp
Classification: Uncertain significance for Desmin-related myofibrillar myopathy. Last evaluated: 2025-10-23. Review status: criteria provided, single submitter. Criteria: Invitae Variant Classification Sherloc (09022015). Collection method: clinical testing. Allele origin: germline.
Comment: This sequence change replaces arginine, which is basic and polar, with glutamine, which is neutral and polar, at codon 454 of the DES protein (p.Arg454Gln). The frequency data for this variant in the population databases is considered unreliable, as metrics indicate poor data quality at this position in the gnomAD database. This missense change has been observed in individual(s) with dilated cardiomyopathy (PMID: 25163546). ClinVar contains an entry for this variant (Variation ID: 191616). Invitae Evidence Modeling of protein sequence and biophysical properties (such as structural, functional, and spatial information, amino acid conservation, physicochemical variation, residue mobility, and thermodynamic stability) has been performed for this missense variant. However, the output from this modeling did not meet the statistical confidence thresholds required to predict the impact of this variant on DES protein function. This variant disrupts the p.Arg454 amino acid residue in DES. Other variant(s) that disrupt this residue have been determined to be pathogenic (PMID: 17221859, 22153487, 25557463). This suggests that this residue is clinically significant, and that variants that disrupt this residue are likely to be disease-causing. In summary, the available evidence is currently insufficient to determine the role of this variant in disease. Therefore, it has been classified as a Variant of Uncertain Significance.

Ambry Genetics
Classification: Uncertain significance for Cardiovascular phenotype. Last evaluated: 2025-09-23. Review status: criteria provided, single submitter. Criteria: Ambry Variant Classification Scheme 2023. Collection method: clinical testing. Allele origin: germline.
Comment: The p.R454Q variant (also known as c.1361G>A), located in coding exon 8 of the DES gene, results from a G to A substitution at nucleotide position 1361. The arginine at codon 454 is replaced by glutamine, an amino acid with highly similar properties. This variant was reported in a dilated cardiomyopathy cohort; however, clinical details were limited (Ng D et al. Circ Cardiovasc Genet, 2013 Aug;6:337-46; Haas J et al. Eur Heart J, 2015 May;36:1123-35a). This amino acid position is highly conserved in available vertebrate species. In addition, this alteration is predicted to be deleterious by in silico analysis. Based on the available evidence, the clinical significance of this variant remains unclear.

Eurofins Ntd Llc (ga)
Classification: Uncertain significance. Last evaluated: 2017-01-30. Review status: criteria provided, single submitter. Criteria: EGL Classification Definitions 2015. Collection method: clinical testing. Allele origin: germline. Observed: 1 variant allele, 1 heterozygote.

Biesecker Lab/Clinical Genomics Section, National Institutes of Health
Classification: Uncertain significance. Last evaluated: 2013-06-24. Review status: criteria provided, single submitter. Criteria: Ng et al. (Circ Cardiovasc Genet. 2013). Collection method: research. Allele origin: unknown. Observed: 1 variant allele. Study: ClinSeq.
Comment: The study set was not selected for affection status in relation to any cancer. Pathogenicity categories were based on literature curation. See Pubmed ID:23861362 for details.

Medical sequencing

Literature cited by the submitters: PubMed 25163546 (cited by Labcorp Genetics (formerly Invitae), Labcorp and Ambry Genetics); PubMed 17221859 (cited by Labcorp Genetics (formerly Invitae), Labcorp); PubMed 22153487 (cited by Labcorp Genetics (formerly Invitae), Labcorp); PubMed 25557463 (cited by Labcorp Genetics (formerly Invitae), Labcorp); PubMed 23861362 (cited by Ambry Genetics).